The following is an entry in ClinVar:

NM_001364905.1(LRBA):c.5689A>G (p.Asn1897Asp)

Gene: LRBA (LPS responsive beige-like anchor protein; minus strand). Cytogenetic location: 4q31.3.
Variant type: single nucleotide variant.
Coding change: c.5689A>G on transcript NM_001364905.1 (MANE Select); coding-DNA position 5689, A replaced by G.
Protein change: p.Asn1897Asp; replaces asparagine 1897 with aspartic acid.
Molecular consequence: missense variant.
Genome position (GRCh38, 1-based): chr4:150,735,323, T>C on the plus strand (A>G on the coding strand, the complement: LRBA is on the minus strand). VCF-style: chr4-150735323-T-C. GRCh37 (hg19) VCF-style: chr4-151656475-T-C.
Other names: c.5689A>G, p.Asn1897Asp (NM_001199282.3, NM_001367550.1, NM_006726.5); short protein forms N1897D.
Identifiers: ClinVar variation 937118 (VCV000937118.9), dbSNP rs747452859, ClinGen allele CA3102391.
Genomic context (GRCh38, chr4:150,735,323, plus strand): 5'-ATTCCGCATGTCTGTGAATATCTTCTGCTCTCTGCCTGCTCAGGATAAATTCAGCTTCAT[T>C]TGCTACTCTTACTAGATGATCCTTCATTGTCTGGCTAAGCAACCTGTAAGAAATGAATGT-3'
Protein context (NP_001351834.1, residues 1887-1907): TMKDHLVRVA[Asn1897Asp]EAEFILSRQR

ClinVar aggregate classification (germline): Uncertain significance (1 of 4 stars; one submission).

Conditions:
Combined immunodeficiency due to LRBA deficiency. Also called: Common variable immunodeficiency 8, with autoimmunity. Identifiers: Orphanet 445018, MedGen C3553512, MONDO:0013863, OMIM 614700.

Allele frequency attached by ClinVar (database versions not stated): gnomAD 0.00001 and 0.00002; gnomAD exomes 0.00004; ExAC 0.00007.
gnomAD v4.1: 58 of 1,613,652 alleles (0.0036%); highest among the groups gnomAD compares: South Asian, 0.033%; 1 homozygote.

Submission:

Labcorp Genetics (formerly Invitae), Labcorp
Classification: Uncertain significance for Combined immunodeficiency due to LRBA deficiency. Last evaluated: 2022-06-13. Review status: criteria provided, single submitter. Criteria: Invitae Variant Classification Sherloc (09022015). Collection method: clinical testing. Allele origin: germline.
Comment: In summary, the available evidence is currently insufficient to determine the role of this variant in disease. Therefore, it has been classified as a Variant of Uncertain Significance. Algorithms developed to predict the effect of missense changes on protein structure and function are either unavailable or do not agree on the potential impact of this missense change (SIFT: "Tolerated"; PolyPhen-2: "Probably Damaging"; Align-GVGD: "Class C0"). ClinVar contains an entry for this variant (Variation ID: 937118). This variant has not been reported in the literature in individuals affected with LRBA-related conditions. This variant is present in population databases (rs747452859, gnomAD 0.03%). This sequence change replaces asparagine, which is neutral and polar, with aspartic acid, which is acidic and polar, at codon 1897 of the LRBA protein (p.Asn1897Asp).